The following is an entry in ClinVar:

NM_001376.5(DYNC1H1):c.1461+5G>A

Gene: DYNC1H1 (dynein cytoplasmic 1 heavy chain 1; plus strand). Cytogenetic location: 14q32.31.
Variant type: single nucleotide variant.
Coding change: c.1461+5G>A on transcript NM_001376.5 (MANE Select); 5 bases into the intron after coding-DNA position 1461, G replaced by A.
Molecular consequence: intron variant.
Genome position (GRCh38, 1-based): chr14:101,983,614, G>A. VCF-style: chr14-101983614-G-A. GRCh37 (hg19) VCF-style: chr14-102449951-G-A.
Identifiers: ClinVar variation 937802 (VCV000937802.9), dbSNP rs2047892846, ClinGen allele CA1139663745.

ClinVar aggregate classification (germline): Uncertain significance (1 of 4 stars; one submission).

Conditions:
Charcot-Marie-Tooth disease axonal type 2O. Also called: CHARCOT-MARIE-TOOTH NEUROPATHY, AXONAL, TYPE 2O; CHARCOT-MARIE-TOOTH DISEASE, AXONAL, AUTOSOMAL DOMINANT, TYPE 2O; Charcot-Marie-Tooth Neuropathy Type 2O; Charcot-Marie-Tooth disease, axonal, type 20. Identifiers: Orphanet 284232, MedGen C3280220, MONDO:0013644, OMIM 614228.

Allele frequency attached by ClinVar (database versions not stated): gnomAD exomes below 0.00001.
gnomAD v4.1: 1 of 1,613,246 alleles (0.000062%); highest among the groups gnomAD compares: Non-Finnish European, 0.000085%; no homozygotes.

Submission:

Labcorp Genetics (formerly Invitae), Labcorp
Classification: Uncertain significance for Charcot-Marie-Tooth disease axonal type 2O. Last evaluated: 2025-10-21. Review status: criteria provided, single submitter. Criteria: Invitae Variant Classification Sherloc (09022015). Collection method: clinical testing. Allele origin: germline.
Comment: This sequence change falls in intron 7 of the DYNC1H1 gene. It does not directly change the encoded amino acid sequence of the DYNC1H1 protein. It affects a nucleotide within the consensus splice site. This variant is not present in population databases (gnomAD no frequency). This variant has not been reported in the literature in individuals affected with DYNC1H1-related conditions. This variant has been observed in at least one individual who was not affected with DYNC1H1-related conditions (internal data). ClinVar contains an entry for this variant (Variation ID: 937802). Variants that disrupt the consensus splice site are a relatively common cause of aberrant splicing (PMID: 17576681, 9536098). Algorithms developed to predict the effect of sequence changes on RNA splicing suggest that this variant is not likely to affect RNA splicing. In summary, the available evidence is currently insufficient to determine the role of this variant in disease. Therefore, it has been classified as a Variant of Uncertain Significance.

Literature cited by the submitters: PubMed 17576681; PubMed 9536098.